The following is an entry in ClinVar:

NM_000195.5(HPS1):c.1096C>A (p.Pro366Thr)

Gene: HPS1 (HPS1 biogenesis of lysosomal organelles complex 3 subunit 1; minus strand). Cytogenetic location: 10q24.2.
Variant type: single nucleotide variant.
Coding change: c.1096C>A on transcript NM_000195.5 (MANE Select); coding-DNA position 1096, C replaced by A.
Protein change: p.Pro366Thr; replaces proline 366 with threonine.
Molecular consequence: missense variant.
Genome position (GRCh38, 1-based): chr10:98,425,877, G>T on the plus strand (C>A on the coding strand, the complement: HPS1 is on the minus strand). VCF-style: chr10-98425877-G-T. GRCh37 (hg19) VCF-style: chr10-100185634-G-T.
Other names: NM_000195.5(HPS1):c.1096C>A; p.Pro366Thr; c.124C>A, p.Pro42Thr (NM_001311345.2, NM_001322487.2, NM_001322489.2); c.1096C>A, p.Pro366Thr (NM_001322476.2, NM_001322477.2); c.997C>A, p.Pro333Thr (NM_001322478.2, NM_001322479.2); c.835C>A, p.Pro279Thr (NM_001322480.2, NM_001322481.2); c.736C>A, p.Pro246Thr (NM_001322482.2); c.727C>A, p.Pro243Thr (NM_001322483.2, NM_001322484.2); and 1 more; short protein forms P366T, P246T, P279T, P333T, P243T, P210T, P42T.
Identifiers: ClinVar variation 626969 (VCV000626969.6), dbSNP rs138771756, ClinGen allele CA5639143.
Genomic context (GRCh38, chr10:98,425,877, plus strand): 5'-CCCTGGTCAGGAGCACCAGGTTGATGCCCTGCCACAGGGGCAGGCAGTACATGGTGTGGG[G>T]CACTAGGGGGCAGTAGCTTTCCTTCACGTTGGCATCCAGGAAGATCCTTCTGGGGCCGGA-3'
Protein context (NP_000186.2, residues 356-376): NVKESYCPLV[Pro366Thr]HTMYCLPLWQ

ClinVar aggregate classification (germline): Conflicting classifications of pathogenicity. Review status: criteria provided, conflicting classifications (1 of 4 stars). 4 submissions from 4 submitters: Likely pathogenic (1); Uncertain significance (3). Last evaluated 2024-05-10.

Conditions:
Hermansky-Pudlak syndrome 1 (HPS1). Also called: DELTA STORAGE POOL DISEASE. Identifiers: Orphanet 231500, Orphanet 79430, MedGen C2931875, MONDO:0008748, OMIM 203300.
Hermansky-Pudlak syndrome (HPS). Also called: ALBINISM WITH HEMORRHAGIC DIATHESIS AND PIGMENTED RETICULOENDOTHELIAL CELLS. Identifiers: Orphanet 79430, MedGen C0079504, MONDO:0019312.

Allele frequency attached by ClinVar (database versions not stated): ExAC 0.00002; gnomAD exomes 0.00002; TOPMed 0.00002; gnomAD 0.00004 and 0.00006; ESP Exome Variant Server 0.00015.
gnomAD v4.1: 9 of 1,614,044 alleles (0.00056%); highest among the groups gnomAD compares: African/African-American, 0.011%; no homozygotes.

Submissions (4):

Fulgent Genetics
Classification: Uncertain significance for Hermansky-Pudlak syndrome 1. Last evaluated: 2024-05-10. Review status: criteria provided, single submitter. Criteria: ACMG Guidelines, 2015. Collection method: clinical testing. Allele origin: germline.

Women's Health and Genetics/Laboratory Corporation of America, LabCorp
Classification: Uncertain significance. Last evaluated: 2022-11-04. Review status: criteria provided, single submitter. Criteria: LabCorp Variant Classification Summary - May 2015. Collection method: clinical testing. Allele origin: germline.
Comment: Variant summary: HPS1 c.1096C>A (p.Pro366Thr) results in a non-conservative amino acid change in the encoded protein sequence. Four of five in-silico tools predict a damaging effect of the variant on protein function. The variant allele was found at a frequency of 1.6e-05 in 251426 control chromosomes (gnomAD). The available data on variant occurrences in the general population are insufficient to allow any conclusion about variant significance. c.1096C>A has been reported in the literature in an individual affected with a platelet function disorder who was a compound heterozygote with another pathogenic/likely pathogenic variant (Downes_2019). These data do not allow any conclusion about variant significance. To our knowledge, no experimental evidence demonstrating an impact on protein function has been reported. Two clinical diagnostic laboratories have submitted clinical-significance assessments for this variant to ClinVar after 2014 without evidence for independent evaluation. One laboratory classified the variant as likely pathogenic, and one laboratory classified the variant as uncertain significance. Based on the evidence outlined above, the variant was classified as uncertain significance.

Broad Center for Mendelian Genomics, Broad Institute of MIT and Harvard
Classification: Uncertain significance for Hermansky-Pudlak syndrome. Last evaluated: 2021-11-29. Review status: criteria provided, single submitter. Criteria: ACMG Guidelines, 2015. Collection method: curation. Allele origin: germline. Inheritance: Autosomal recessive inheritance.
Comment: The p.Pro366Thr variant in HPS1 has been reported in 1 individual with Hermansky-Pudlak syndrome (PMID: 31064749) and has been identified in 0.02% (4/24962) of African/African-American chromosomes by the Genome Aggregation Database (gnomAD; dbSNP ID: rs748106098). Although this variant has been seen in the general population in a heterozygous state, its frequency is not high enough to rule out a pathogenic role. This variant has also been reported in ClinVar (Variation ID#: 8626969) and has been interpreted as likely pathogenic by NIHR Bioresource Rare Diseases (University of Cambridge). Computational prediction tools and conservation analyses suggest that this variant may impact the protein, though this information is not predictive enough to determine pathogenicity. In summary, the clinical significance of the p.Pro366Thr variant is uncertain. ACMG/AMP Criteria applied: PM3_supporting, PP3 (Richards 2015).

NIHR Bioresource Rare Diseases, University of Cambridge
Classification: Likely pathogenic for Hermansky-Pudlak syndrome. Last evaluated: 2019-02-01. Review status: criteria provided, single submitter. Criteria: ACMG Guidelines, 2015. Collection method: research. Allele origin: unknown. Affected: yes. Observed: 1 compound heterozygote. Study: ThromboGenomics.

Literature cited by the submitters: PubMed 31064749 (cited by Women's Health and Genetics/Laboratory Corporation of America, LabCorp and NIHR Bioresource Rare Diseases, University of Cambridge).